The following is an entry in ClinVar:

ClinVar aggregate classification (germline): Benign/Likely benign. Review status: criteria provided, multiple submitters, no conflicts (2 of 4 stars). 3 submissions from 3 submitters: Benign (1); Likely benign (1). 1 of the submissions does not count toward it. Last evaluated 2026-01-25.

Conditions:
PCLO-related disorder. Also called: PCLO-related condition.

Allele frequency attached by ClinVar (database versions not stated): gnomAD exomes 0.00147; ExAC 0.00154; gnomAD 0.00172 and 0.00185; TOPMed 0.00181; ESP Exome Variant Server 0.00202; 1000 Genomes Project 30x 0.00250; 1000 Genomes Project 0.00260.
gnomAD v4.1: 1,526 of 1,613,980 alleles (0.095%); highest among the groups gnomAD compares: South Asian, 0.76%; 13 homozygotes.

Submissions (3):

Labcorp Genetics (formerly Invitae), Labcorp
Classification: Benign. Last evaluated: 2026-01-25. Review status: criteria provided, single submitter. Criteria: Invitae Variant Classification Sherloc (09022015). Collection method: clinical testing. Allele origin: germline.

Blueprint Genetics
Classification: Likely benign. Last evaluated: 2024-11-13. Review status: criteria provided, single submitter. Criteria: ACMG Guidelines, 2015. Collection method: clinical testing. Allele origin: germline.

PreventionGenetics, part of Exact Sciences
Classification: Likely benign for PCLO-related condition. Last evaluated: 2022-11-23. Review status: no assertion criteria provided. Collection method: clinical testing. Allele origin: germline. Not counted in ClinVar's aggregate classification.
Comment: This variant is classified as likely benign based on ACMG/AMP sequence variant interpretation guidelines (Richards et al. 2015 PMID: 25741868, with internal and published modifications).

NM_033026.6(PCLO):c.7740T>C (p.Tyr2580=)

Gene: PCLO (piccolo presynaptic cytomatrix protein; minus strand). Cytogenetic location: 7q21.11.
Variant type: single nucleotide variant.
Coding change: c.7740T>C on transcript NM_033026.6 (MANE Select); coding-DNA position 7740, T replaced by C.
Protein change: p.Tyr2580=; no amino-acid change (tyrosine 2580 retained).
Molecular consequence: synonymous variant.
Genome position (GRCh38, 1-based): chr7:82,953,213, A>G on the plus strand (T>C on the coding strand, the complement: PCLO is on the minus strand). VCF-style: chr7-82953213-A-G. GRCh37 (hg19) VCF-style: chr7-82582529-A-G.
Other names: c.7740T>C, p.Tyr2580= (NM_014510.3).
Identifiers: ClinVar variation 712659 (VCV000712659.13), dbSNP rs368873675, ClinGen allele CA4320249.
Genomic context (GRCh38, chr7:82,953,213, plus strand): 5'-TGCTTGACTAGCAGAAGAATCTGTTGGAGTCCCTGGTTCAGATGGCAATGTAATAACTAC[A>G]TAAGTTTCTGTGAGGGATTTGGAAAATCTTGGTGAAGACTTGTTGGAGTGTGGGGAAAGT-3'
Protein context (NP_149015.2, residues 2570-2590): PRFSKSLTET[Tyr2580=]VVITLPSEPG